The following is an entry in ClinVar:

NM_025179.4(PLXNA2):c.1333G>A (p.Val445Met)

Gene: PLXNA2 (plexin A2; minus strand). Cytogenetic location: 1q32.2.
Variant type: single nucleotide variant.
Coding change: c.1333G>A on transcript NM_025179.4 (MANE Select); coding-DNA position 1333, G replaced by A.
Protein change: p.Val445Met; replaces valine 445 with methionine.
Molecular consequence: missense variant.
Genome position (GRCh38, 1-based): chr1:208,210,318, C>T on the plus strand (G>A on the coding strand, the complement: PLXNA2 is on the minus strand). VCF-style: chr1-208210318-C-T. GRCh37 (hg19) VCF-style: chr1-208383663-C-T.
Other names: c.1333G>A (NM_025179.3); short protein forms V445M.
Identifiers: ClinVar variation 1427629 (VCV001427629.10), dbSNP rs141605287, ClinGen allele CA1373915.

ClinVar aggregate classification (germline): Uncertain significance. Review status: criteria provided, multiple submitters, no conflicts (2 of 4 stars). 3 submissions from 3 submitters: Uncertain significance (2). 1 of the submissions does not count toward it. Last evaluated 2025-12-15.

Conditions:
PLXNA2-related disorder. Also called: PLXNA2-related condition.

Allele frequency attached by ClinVar (database versions not stated): 1000 Genomes Project 30x 0.00016.
gnomAD v4.1: 28 of 1,613,936 alleles (0.0017%); highest among the groups gnomAD compares: Middle Eastern, 0.016%; no homozygotes.

Submissions (3):

Ambry Genetics
Classification: Uncertain significance. Last evaluated: 2025-12-15. Review status: criteria provided, single submitter. Criteria: Ambry Variant Classification Scheme 2023. Collection method: clinical testing. Allele origin: germline.

Labcorp Genetics (formerly Invitae), Labcorp
Classification: Uncertain significance. Last evaluated: 2020-12-17. Review status: criteria provided, single submitter. Criteria: Invitae Variant Classification Sherloc (09022015). Collection method: clinical testing. Allele origin: germline.
Comment: In summary, the available evidence is currently insufficient to determine the role of this variant in disease. Therefore, it has been classified as a Variant of Uncertain Significance. Algorithms developed to predict the effect of missense changes on protein structure and function are either unavailable or do not agree on the potential impact of this missense change (SIFT: "Deleterious"; PolyPhen-2: "Probably Damaging"; Align-GVGD: "Class C0"). This variant has not been reported in the literature in individuals with PLXNA2-related conditions. This variant is present in population databases (rs141605287, ExAC 0.01%). This sequence change replaces valine with methionine at codon 445 of the PLXNA2 protein (p.Val445Met). The valine residue is moderately conserved and there is a small physicochemical difference between valine and methionine.

PreventionGenetics, part of Exact Sciences
Classification: Uncertain significance for PLXNA2-related condition. Last evaluated: 2024-06-26. Review status: no assertion criteria provided. Collection method: clinical testing. Allele origin: germline. Not counted in ClinVar's aggregate classification.
Comment: The PLXNA2 c.1333G>A variant is predicted to result in the amino acid substitution p.Val445Met. To our knowledge, this variant has not been reported in the literature. This variant is reported in 0.012% of alleles in individuals of African descent in gnomAD. At this time, the clinical significance of this variant is uncertain due to the absence of conclusive functional and genetic evidence.